The following is an entry in ClinVar:

ClinVar aggregate classification (germline): Uncertain significance. Review status: criteria provided, multiple submitters, no conflicts (2 of 4 stars). 3 submissions from 3 submitters: Uncertain significance (3). Last evaluated 2025-11-05.

Conditions:
Hereditary breast ovarian cancer syndrome. Also called: BRCA1- and BRCA2-Associated Hereditary Breast and Ovarian Cancer; Hereditary breast and ovarian cancer; Hereditary breast and ovarian cancer syndrome (HBOC); Breast and ovarian cancer; Hereditary breast and ovarian cancer syndrome; Hereditary breast and/or ovarian cancer syndrome. Identifiers: Orphanet 145, MedGen C0677776, MeSH D061325, MONDO:0003582. Disease mechanism: loss of function.
Hereditary cancer-predisposing syndrome. Also called: Hereditary neoplastic syndrome; Tumor predisposition; Hereditary Cancer Syndrome; Neoplastic Syndromes, Hereditary. Identifiers: Orphanet 140162, MedGen C0027672, MeSH D009386, MONDO:0015356.

gnomAD v4.1: 1 of 1,614,202 alleles (0.000062%); highest among the groups gnomAD compares: Admixed American, 0.0017%; no homozygotes.

Submissions (3):

Labcorp Genetics (formerly Invitae), Labcorp
Classification: Uncertain significance for Hereditary breast ovarian cancer syndrome. Last evaluated: 2025-11-05. Review status: criteria provided, single submitter. Criteria: Invitae Variant Classification Sherloc (09022015). Collection method: clinical testing. Allele origin: germline.
Comment: This sequence change replaces threonine, which is neutral and polar, with isoleucine, which is neutral and non-polar, at codon 1597 of the BRCA1 protein (p.Thr1597Ile). This variant is present in population databases (rs587781623, gnomAD 0.003%). This variant has not been reported in the literature in individuals affected with BRCA1-related conditions. ClinVar contains an entry for this variant (Variation ID: 2585854). Invitae Evidence Modeling of protein sequence and biophysical properties (such as structural, functional, and spatial information, amino acid conservation, physicochemical variation, residue mobility, and thermodynamic stability) indicates that this missense variant is not expected to disrupt BRCA1 protein function with a negative predictive value of 95%. In summary, the available evidence is currently insufficient to determine the role of this variant in disease. Therefore, it has been classified as a Variant of Uncertain Significance.

Ambry Genetics
Classification: Uncertain significance for Hereditary cancer-predisposing syndrome. Last evaluated: 2023-09-12. Review status: criteria provided, single submitter. Criteria: Ambry Variant Classification Scheme 2023. Collection method: clinical testing. Allele origin: germline.
Comment: The p.T1597I variant (also known as c.4790C>T), located in coding exon 14 of the BRCA1 gene, results from a C to T substitution at nucleotide position 4790. The threonine at codon 1597 is replaced by isoleucine, an amino acid with similar properties. This amino acid position is not well conserved in available vertebrate species. In addition, the in silico prediction for this alteration is inconclusive. Since supporting evidence is limited at this time, the clinical significance of this alteration remains unclear.

Quest Diagnostics Nichols Institute San Juan Capistrano
Classification: Uncertain significance. Last evaluated: 2023-03-03. Review status: criteria provided, single submitter. Criteria: Quest Diagnostics criteria. Collection method: clinical testing. Allele origin: unknown.
Comment: The frequency of this variant in the general population, 0.000004 (1/251412 chromosomes), is uninformative in assessment of its pathogenicity. In a large-scale breast cancer association study, the variant was observed in an unaffected individual (PMID: 33471991 (2021), see also LOVD). Analysis of this variant using bioinformatics tools for the prediction of the effect of amino acid changes on protein structure and function yielded predictions that this variant is benign. Based on the available information, we are unable to determine the clinical significance of this variant.

Literature cited by the submitters: PubMed 33471991 (cited by Quest Diagnostics Nichols Institute San Juan Capistrano).

NM_007294.4(BRCA1):c.4790C>T (p.Thr1597Ile)

Gene: BRCA1 (BRCA1 DNA repair associated; minus strand). Cytogenetic location: 17q21.31.
Variant type: single nucleotide variant.
Coding change: c.4790C>T on transcript NM_007294.4 (MANE Select); coding-DNA position 4790, C replaced by T.
Protein change: p.Thr1597Ile; replaces threonine 1597 with isoleucine.
Molecular consequence: missense variant. On other transcripts: intron variant (1).
Genome position (GRCh38, 1-based): chr17:43,071,124, G>A on the plus strand (C>T on the coding strand, the complement: BRCA1 is on the minus strand). VCF-style: chr17-43071124-G-A. GRCh37 (hg19) VCF-style: chr17-41223141-G-A.
Other names: c.4454C>T, p.Thr1485Ile (NM_001407953.1, NM_001407954.1, NM_001407950.1 and 3 more transcripts); c.4577C>T, p.Thr1526Ile (NM_001407571.1, NM_001407894.1, NM_001407895.1 and 12 more transcripts); c.4856C>T, p.Thr1619Ile (NM_001407581.1, NM_001407582.1); c.4853C>T, p.Thr1618Ile (NM_001407583.1, NM_001407585.1, NM_001407587.1 and 1 more transcripts); c.4850C>T, p.Thr1617Ile (NM_001407590.1, NM_001407591.1); c.4790C>T, p.Thr1597Ile (NM_001407593.1, NM_001407594.1, NM_001407596.1 and 8 more transcripts); c.4787C>T, p.Thr1596Ile (NM_001407610.1, NM_001407611.1, NM_001407612.1 and 17 more transcripts); c.4784C>T, p.Thr1595Ile (NM_001407627.1, NM_001407628.1, NM_001407629.1 and 14 more transcripts); and 71 more; short protein forms T1469I, T1526I, T1530I, T1571I, T1577I, T1597I, T1619I, T317I.
Identifiers: ClinVar variation 2585854 (VCV002585854.4), dbSNP rs587781623, ClinGen allele CA053224.
Genomic context (GRCh38, chr17:43,071,124, plus strand): 5'-GCAGCAGCTGGACTCTGGGCAGATTCTGCAACTTTCAATTGGGGAACTTTCAATGCAGAG[G>A]TTGAAGATGGTATGTTGCCAACACGAGCTGACTCTGGGGCTCTGTCTTCAGAAGGATCAG-3'
Protein context (NP_009225.1, residues 1587-1607): SARVGNIPSS[Thr1597Ile]SALKVPQLKV